The following is an entry in ClinVar:

NM_001848.3(COL6A1):c.904-39A>G

Gene: COL6A1 (collagen type VI alpha 1 chain; plus strand). Cytogenetic location: 21q22.3.
Variant type: single nucleotide variant.
Coding change: c.904-39A>G on transcript NM_001848.3 (MANE Select); 39 bases into the intron before coding-DNA position 904, A replaced by G.
Molecular consequence: intron variant.
Genome position (GRCh38, 1-based): chr21:45,989,713, A>G. VCF-style: chr21-45989713-A-G. GRCh37 (hg19) VCF-style: chr21-47409627-A-G.
Identifiers: ClinVar variation 635019 (VCV000635019.8), dbSNP rs1569518138, ClinGen allele CA658655611.

ClinVar aggregate classification (germline): Pathogenic/Likely pathogenic. Review status: criteria provided, multiple submitters, no conflicts (2 of 4 stars). 2 submissions from 2 submitters: Pathogenic (1); Likely pathogenic (1). Last evaluated 2025-02-13.

Conditions:
Ullrich congenital muscular dystrophy 1A. Also called: Intermediate COL6-RD; Ullrich congenital muscular dystrophy 1. Identifiers: Orphanet 75840, MedGen C0410179, MONDO:0009681, OMIM 254090.
Bethlem myopathy 1A. Also called: Bethlem Muscular Dystrophy; Bethlem myopathy 1; MYOPATHY, BENIGN CONGENITAL, WITH CONTRACTURES. Identifiers: Orphanet 610, MedGen CN029274, MONDO:0024530, OMIM 158810.

Submissions (2):

Labcorp Genetics (formerly Invitae), Labcorp
Classification: Pathogenic for Bethlem myopathy 1A. Last evaluated: 2025-02-13. Review status: criteria provided, single submitter. Criteria: Invitae Variant Classification Sherloc (09022015). Collection method: clinical testing. Allele origin: germline.
Comment: This sequence change falls in intron 10 of the COL6A1 gene. It does not directly change the encoded amino acid sequence of the COL6A1 protein. RNA analysis indicates that this variant induces altered splicing and likely results in a shortened protein product. This variant is not present in population databases (gnomAD no frequency). This variant has been observed in individual(s) with clinical features of autosomal dominant Ullrich congenital muscular dystrophy (PMID: 20976770). In at least one individual the variant was observed to be de novo. ClinVar contains an entry for this variant (Variation ID: 635019). Studies have shown that this variant results in skipping of exon 11, but is expected to preserve the integrity of the reading-frame (PMID: 20976770). This variant disrupts the triple helix domain of COL6A1. Glycine residues within the Gly-Xaa-Yaa repeats of the triple helix domain are required for the structure and stability of fibrillar collagens (PMID: 7695699, 8218237, 19344236). In COL6A1, variants at these glycine residues are significantly enriched in individuals with autosomal dominant disease (PMID: 15689448, 24038877) compared to the general population (ExAC). For these reasons, this variant has been classified as Pathogenic.

Broad Center for Mendelian Genomics, Broad Institute of MIT and Harvard
Classification: Likely pathogenic for Ullrich congenital muscular dystrophy 1A. Last evaluated: 2018-06-15. Review status: criteria provided, single submitter. Criteria: ACMG Guidelines, 2015. Collection method: research. Allele origin: germline. Inheritance: Autosomal dominant inheritance. Affected: yes.
Comment: Trio exome analysis showed this variant to be de novo. This variant has been reported in literature, and it has been shown to lead to a skipping of exon 11 (BriÃ±as et al. 2010). This variant was absent from large population studies. In summary, this variant is pathogenic.

Literature cited by the submitters: PubMed 20976770 (cited by Labcorp Genetics (formerly Invitae), Labcorp); PubMed 7695699 (cited by Labcorp Genetics (formerly Invitae), Labcorp); PubMed 8218237 (cited by Labcorp Genetics (formerly Invitae), Labcorp); PubMed 19344236 (cited by Labcorp Genetics (formerly Invitae), Labcorp); PubMed 15689448 (cited by Labcorp Genetics (formerly Invitae), Labcorp); PubMed 24038877 (cited by Labcorp Genetics (formerly Invitae), Labcorp).